The following is an entry in ClinVar:

NM_024675.4(PALB2):c.3056T>A (p.Val1019Asp)

Gene: PALB2 (partner and localizer of BRCA2; minus strand). Cytogenetic location: 16p12.2.
Variant type: single nucleotide variant.
Coding change: c.3056T>A on transcript NM_024675.4 (MANE Select); coding-DNA position 3056, T replaced by A.
Protein change: p.Val1019Asp; replaces valine 1019 with aspartic acid.
Molecular consequence: missense variant. On other transcripts: intron variant (1).
Genome position (GRCh38, 1-based): chr16:23,621,419, A>T on the plus strand (T>A on the coding strand, the complement: PALB2 is on the minus strand). VCF-style: chr16-23621419-A-T. GRCh37 (hg19) VCF-style: chr16-23632740-A-T.
Other names: c.2996T>A, p.Val999Asp (NM_001407296.1); c.2984T>A, p.Val995Asp (NM_001407297.1); c.2894T>A, p.Val965Asp (NM_001407298.1, NM_001407302.1); c.3056T>A, p.Val1019Asp (NM_001407299.1, NM_001407301.1); c.2171T>A, p.Val724Asp (NM_001407304.1, NM_001407305.1, NM_001407306.1 and 4 more transcripts); c.2009T>A, p.Val670Asp (NM_001407307.1); c.1268T>A, p.Val423Asp (NM_001407312.1, NM_001407313.1); c.590T>A, p.Val197Asp (NM_001407314.1); and 1 more; short protein forms V423D, V965D, V995D, V999D, V1019D, V197D, V670D, V724D.
Identifiers: ClinVar variation 2750119 (VCV002750119.3), dbSNP rs376619846, ClinGen allele CA395143013.

ClinVar aggregate classification (germline): Uncertain significance (1 of 4 stars; one submission).

Conditions:
Familial cancer of breast. Also called: BREAST CANCER, FAMILIAL; hereditary breast carcinoma; Hereditary breast cancer. Identifiers: Orphanet 227535, MedGen C0346153, MONDO:0016419, OMIM 114480. Disease mechanism: loss of function.

Submission:

Labcorp Genetics (formerly Invitae), Labcorp
Classification: Uncertain significance for Familial cancer of breast. Last evaluated: 2025-03-19. Review status: criteria provided, single submitter. Criteria: Invitae Variant Classification Sherloc (09022015). Collection method: clinical testing. Allele origin: germline.
Comment: This sequence change replaces valine, which is neutral and non-polar, with aspartic acid, which is acidic and polar, at codon 1019 of the PALB2 protein (p.Val1019Asp). This variant is not present in population databases (gnomAD no frequency). This variant has not been reported in the literature in individuals affected with PALB2-related conditions. ClinVar contains an entry for this variant (Variation ID: 2750119). Invitae Evidence Modeling of protein sequence and biophysical properties (such as structural, functional, and spatial information, amino acid conservation, physicochemical variation, residue mobility, and thermodynamic stability) indicates that this missense variant is expected to disrupt PALB2 protein function with a positive predictive value of 80%. In summary, the available evidence is currently insufficient to determine the role of this variant in disease. Therefore, it has been classified as a Variant of Uncertain Significance.